The following is an entry in ClinVar:

NM_001278669.2(NFATC1):c.2213C>A (p.Pro738His)

Gene: NFATC1 (nuclear factor of activated T cells 1; plus strand). Cytogenetic location: 18q23.
Variant type: single nucleotide variant.
Coding change: c.2213C>A on transcript NM_001278669.2 (MANE Select); coding-DNA position 2213, C replaced by A.
Protein change: p.Pro738His; replaces proline 738 with histidine.
Molecular consequence: missense variant. On other transcripts: intron variant (2).
Genome position (GRCh38, 1-based): chr18:79,486,368, C>A. VCF-style: chr18-79486368-C-A. GRCh37 (hg19) VCF-style: chr18-77246368-C-A.
Other names: c.797C>A, p.Pro266His (NM_001278673.2, NM_172388.3); c.2213C>A, p.Pro738His (NM_006162.5); c.2174C>A, p.Pro725His (NM_172387.3, NM_172389.3); c.2092+18786C>A (NM_001278670.2); c.2053+18786C>A (NM_001278672.2); short protein forms P266H, P725H, P738H.
Identifiers: ClinVar variation 3051100 (VCV003051100.4), dbSNP rs150724243, ClinGen allele CA9009560.

ClinVar aggregate classification (germline): Uncertain significance. Review status: criteria provided, single submitter (1 of 4 stars). 2 submissions from 2 submitters: Uncertain significance (1). 1 of the submissions does not count toward it. Last evaluated 2025-11-18.

Conditions:
NFATC1-related disorder. Also called: NFATC1-related condition.

Allele frequency attached by ClinVar (database versions not stated): ESP Exome Variant Server 0.00031; 1000 Genomes Project 30x 0.00062; ExAC 0.00014; gnomAD 0.00036; 1000 Genomes Project 0.00080; gnomAD exomes 0.00004; TOPMed 0.00037.
gnomAD v4.1: 123 of 1,613,056 alleles (0.0076%); highest among the groups gnomAD compares: African/African-American, 0.14%; no homozygotes.

Submissions (2):

Labcorp Genetics (formerly Invitae), Labcorp
Classification: Uncertain significance. Last evaluated: 2025-11-18. Review status: criteria provided, single submitter. Criteria: Invitae Variant Classification Sherloc (09022015). Collection method: clinical testing. Allele origin: germline.
Comment: This sequence change replaces proline, which is neutral and non-polar, with histidine, which is basic and polar, at codon 738 of the NFATC1 protein (p.Pro738His). This variant is present in population databases (rs150724243, gnomAD 0.2%), and has an allele count higher than expected for a pathogenic variant. This variant has not been reported in the literature in individuals affected with NFATC1-related conditions. ClinVar contains an entry for this variant (Variation ID: 3051100). An algorithm developed to predict the effect of missense changes on protein structure and function (PolyPhen-2) suggests that this variant is likely to be disruptive. In summary, the available evidence is currently insufficient to determine the role of this variant in disease. Therefore, it has been classified as a Variant of Uncertain Significance.

PreventionGenetics, part of Exact Sciences
Classification: Likely benign for NFATC1-related condition. Last evaluated: 2022-05-05. Review status: no assertion criteria provided. Collection method: clinical testing. Allele origin: germline. Not counted in ClinVar's aggregate classification.
Comment: This variant is classified as likely benign based on ACMG/AMP sequence variant interpretation guidelines (Richards et al. 2015 PMID: 25741868, with internal and published modifications).